The following is an entry in ClinVar:

NM_015443.4(KANSL1):c.669T>C (p.Tyr223=)

Gene: KANSL1 (KAT8 regulatory NSL complex subunit 1). Cytogenetic location: 17q21.31.
Variant type: single nucleotide variant.
Coding change: c.669T>C on transcript NM_015443.4 (MANE Select); coding-DNA position 669, T replaced by C.
Protein change: p.Tyr223=; no amino-acid change (tyrosine 223 retained).
Molecular consequence: synonymous variant.
Genome position (GRCh38, 1-based): chr17:46,171,475, A>G on the plus strand (T>C on the coding strand, the complement: KANSL1 is on the minus strand). VCF-style: chr17-46171475-A-G. GRCh37 (hg19) VCF-style: chr17-44248841-A-G.
Other names: c.669T>C, p.Tyr223= (NM_001193465.2, NM_001193466.2, NM_001379198.1).
Identifiers: ClinVar variation 682320 (VCV000682320.1), dbSNP rs778659171, ClinGen allele CA8619003.
Genomic context (GRCh38, chr17:46,171,475, plus strand): 5'-TTGAAGTGCCGGCTGTTCCATGGAATTGACAGAGGATTTGTTTGCAGTGCTATTATTGCT[A>G]TACAAAGTTGTGTGTTCTACATCAAGGCTTCTATGTGGAAGAGTGCAATTGGTCATACCC-3'
Protein context (NP_056258.1, residues 213-233): RSLDVEHTTL[Tyr223=]SNNSTANKSS

ClinVar aggregate classification (germline): Likely benign (1 of 4 stars; one submission).

Allele frequency attached by ClinVar (database versions not stated): ExAC 0.00004; gnomAD exomes 0.00002.
gnomAD v4.1: 13 of 1,614,132 alleles (0.00081%); highest among the groups gnomAD compares: South Asian, 0.013%; no homozygotes.

Submission:

GeneDx
Classification: Likely benign. Last evaluated: 2018-04-25. Review status: criteria provided, single submitter. Criteria: GeneDx Variant Classification (06012015). Collection method: clinical testing. Allele origin: germline. Affected: yes.
Comment: This variant is considered likely benign or benign based on one or more of the following criteria: it is a conservative change, it occurs at a poorly conserved position in the protein, it is predicted to be benign by multiple in silico algorithms, and/or has population frequency not consistent with disease.